The following is an entry in ClinVar:

NM_024675.4(PALB2):c.2277A>G (p.Gln759=)

Gene: PALB2 (partner and localizer of BRCA2; minus strand). Cytogenetic location: 16p12.2.
Variant type: single nucleotide variant.
Coding change: c.2277A>G on transcript NM_024675.4 (MANE Select); coding-DNA position 2277, A replaced by G.
Protein change: p.Gln759=; no amino-acid change (glutamine 759 retained).
Molecular consequence: synonymous variant.
Genome position (GRCh38, 1-based): chr16:23,629,877, T>C on the plus strand (A>G on the coding strand, the complement: PALB2 is on the minus strand). VCF-style: chr16-23629877-T-C. GRCh37 (hg19) VCF-style: chr16-23641198-T-C.
Identifiers: ClinVar variation 185872 (VCV000185872.32), dbSNP rs786202524, ClinGen allele CA193209.

ClinVar aggregate classification (germline): Conflicting classifications of pathogenicity. Review status: criteria provided, conflicting classifications (1 of 4 stars). 13 submissions from 13 submitters: Uncertain significance (2); Benign (1); Likely benign (8). 2 of the submissions do not count toward it. Last evaluated 2025-11-17.

Conditions:
PALB2-related disorder. Also called: PALB2-related condition; PALB2-related disorders.
Breast and/or ovarian cancer. Identifiers: MedGen CN221562.
Hereditary cancer-predisposing syndrome. Also called: Tumor predisposition; Neoplastic Syndromes, Hereditary; Hereditary neoplastic syndrome; Hereditary Cancer Syndrome. Identifiers: Orphanet 140162, MedGen C0027672, MeSH D009386, MONDO:0015356.
Familial cancer of breast. Also called: hereditary breast carcinoma; BREAST CANCER, FAMILIAL; Hereditary breast cancer. Identifiers: Orphanet 227535, MedGen C0346153, MONDO:0016419, OMIM 114480. Disease mechanism: loss of function.
Fanconi anemia complementation group N. Also called: PALB2-Related Fanconi Anemia. Identifiers: Orphanet 84, MedGen C1835817, MONDO:0012565, OMIM 610832. Disease mechanism: loss of function.

Allele frequency attached by ClinVar (database versions not stated): gnomAD exomes 0.00001 and below 0.00001; TOPMed below 0.00001; gnomAD 0.00001.
gnomAD v4.1: 23 of 1,613,962 alleles (0.0014%); highest among the groups gnomAD compares: East Asian, 0.02%; no homozygotes.

Submissions (13):

Labcorp Genetics (formerly Invitae), Labcorp
Classification: Likely benign for Familial cancer of breast. Last evaluated: 2025-11-17. Review status: criteria provided, single submitter. Criteria: Invitae Variant Classification Sherloc (09022015). Collection method: clinical testing. Allele origin: germline.

Center for Genomic Medicine, Rigshospitalet, Copenhagen University Hospital
Classification: Likely benign. Last evaluated: 2025-03-04. Review status: criteria provided, single submitter. Criteria: ACMG Guidelines, 2015. Collection method: clinical testing. Allele origin: germline.

Myriad Genetics, Inc.
Classification: Benign for Familial cancer of breast. Last evaluated: 2025-01-15. Review status: criteria provided, single submitter. Criteria: Myriad Autosomal Dominant, Autosomal Recessive and X-Linked Classification Criteria (2023). Collection method: clinical testing. Allele origin: unknown.
Comment: This variant is considered benign. This variant is a silent/synonymous amino acid change and it is not expected to impact splicing.

Quest Diagnostics Nichols Institute San Juan Capistrano
Classification: Likely benign. Last evaluated: 2024-12-27. Review status: criteria provided, single submitter. Criteria: Quest Diagnostics criteria. Collection method: clinical testing. Allele origin: unknown.

Blueprint Genetics
Classification: Likely benign. Last evaluated: 2024-07-10. Review status: criteria provided, single submitter. Criteria: ACMG Guidelines, 2015. Collection method: clinical testing. Allele origin: germline.

Ambry Genetics
Classification: Likely benign for Hereditary cancer-predisposing syndrome. Last evaluated: 2024-05-30. Review status: criteria provided, single submitter. Criteria: Ambry Variant Classification Scheme 2023. Collection method: clinical testing. Allele origin: germline.

Sema4
Classification: Uncertain significance for Hereditary cancer-predisposing syndrome. Last evaluated: 2022-01-10. Review status: criteria provided, single submitter. Criteria: Sema4 Curation Guidelines. Collection method: curation. Allele origin: germline.
Comment: The PALB2 c.2277A>G (p.Q759=) variant has been reported in several women with breast cancer, but also in several healthy male and female controls in a large breast cancer case control study (PMID 30287823). This variant was observed in 2/282882 chromosomes across all subpopulations in the Genome Aggregation Database (PMID: 32461654). The variant has been reported in ClinVar (Variation ID 185872). In silico tools that predict the effect of sequence changes on splicing suggest that this variant may create a cryptic splice site though these predictions have not been confirmed by functional studies. The overall evidence is insufficient to meet ACMG/AMP criteria for classifying it as benign or pathogenic. In summary, the clinical significance of this variant is currently uncertain.

CHEO Genetics Diagnostic Laboratory, Children's Hospital of Eastern Ontario
Classification: Likely benign for Breast and/or ovarian cancer. Last evaluated: 2021-11-25. Review status: criteria provided, single submitter. Criteria: ACMG Guidelines, 2015. Collection method: clinical testing. Allele origin: germline.

Illumina Laboratory Services, Illumina
Classification: Uncertain significance for Fanconi anemia complementation group N. Last evaluated: 2018-01-13. Review status: criteria provided, single submitter. Criteria: ICSL Variant Classification Criteria 13 December 2019. Collection method: clinical testing. Allele origin: germline.

Color Diagnostics, LLC DBA Color Health
Classification: Likely benign for Hereditary cancer-predisposing syndrome. Last evaluated: 2017-09-14. Review status: criteria provided, single submitter. Criteria: ACMG Guidelines, 2015. Collection method: clinical testing. Allele origin: germline.

GeneDx
Classification: Likely benign. Last evaluated: 2017-06-22. Review status: criteria provided, single submitter. Criteria: GeneDx Variant Classification (06012015). Collection method: clinical testing. Allele origin: germline. Affected: yes.
Comment: This variant is considered likely benign or benign based on one or more of the following criteria: it is a conservative change, it occurs at a poorly conserved position in the protein, it is predicted to be benign by multiple in silico algorithms, and/or has population frequency not consistent with disease.

PreventionGenetics, part of Exact Sciences
Classification: Likely benign for PALB2-related condition. Last evaluated: 2020-12-08. Review status: no assertion criteria provided. Collection method: clinical testing. Allele origin: germline. Not counted in ClinVar's aggregate classification.
Comment: This variant is classified as likely benign based on ACMG/AMP sequence variant interpretation guidelines (Richards et al. 2015 PMID: 25741868, with internal and published modifications).

Leiden Open Variation Database
Classification: Benign. Last evaluated: 2018-10-10. Review status: no assertion criteria provided. Collection method: curation. Allele origin: germline. Affected: yes. Not counted in ClinVar's aggregate classification.
Comment: Curators: Marc Tischkowitz, Arleen D. Auerbach. Submitter to LOVD: Yukihide Momozawa.

Literature cited by the submitters: PubMed 36243179 (cited by Quest Diagnostics Nichols Institute San Juan Capistrano); PubMed 30287823 (cited by 3 submitters).